The following is an entry in ClinVar:

NM_001385012.1(NBEA):c.5117C>G (p.Thr1706Ser)

Gene: NBEA (neurobeachin; plus strand). Cytogenetic location: 13q13.3.
Variant type: single nucleotide variant.
Coding change: c.5117C>G on transcript NM_001385012.1 (MANE Select); coding-DNA position 5117, C replaced by G.
Protein change: p.Thr1706Ser; replaces threonine 1706 with serine.
Molecular consequence: missense variant.
Genome position (GRCh38, 1-based): chr13:35,196,053, C>G. VCF-style: chr13-35196053-C-G. GRCh37 (hg19) VCF-style: chr13-35770190-C-G.
Other names: c.5108C>G, p.Thr1703Ser (NM_001379245.1); c.5117C>G, p.Thr1706Ser (NM_015678.5); short protein forms T1703S, T1706S.
Identifiers: ClinVar variation 4846865 (VCV004846865.1).

ClinVar aggregate classification (germline): Uncertain significance (1 of 4 stars; one submission).

Conditions:
Neurodevelopmental disorder with or without early-onset generalized epilepsy. Identifiers: MedGen C5436914, MONDO:0030930, OMIM 619157.

Submission:

Laboratorio de Genetica e Diagnostico Molecular, Hospital Israelita Albert Einstein
Classification: Uncertain significance for Neurodevelopmental disorder with or without early-onset generalized epilepsy. Last evaluated: 2025-12-19. Review status: criteria provided, single submitter. Criteria: ACMG Guidelines, 2015. Collection method: clinical testing. Allele origin: germline. Affected: yes.
Comment: ACMG classification criteria: PM2 supporting, PP2 supporting, BP4 supporting